The following is an entry in ClinVar:

NM_003000.3(SDHB):c.582C>G (p.Thr194=)

Gene: SDHB (succinate dehydrogenase complex iron sulfur subunit B; minus strand). Cytogenetic location: 1p36.13.
Variant type: single nucleotide variant.
Coding change: c.582C>G on transcript NM_003000.3 (MANE Select); coding-DNA position 582, C replaced by G.
Protein change: p.Thr194=; no amino-acid change (threonine 194 retained).
Molecular consequence: synonymous variant.
Genome position (GRCh38, 1-based): chr1:17,024,033, G>C on the plus strand (C>G on the coding strand, the complement: SDHB is on the minus strand). VCF-style: chr1-17024033-G-C. GRCh37 (hg19) VCF-style: chr1-17350528-G-C.
Identifiers: ClinVar variation 703795 (VCV000703795.9), dbSNP rs775450654, ClinGen allele CA416083683.

ClinVar aggregate classification (germline): Benign/Likely benign. Review status: criteria provided, multiple submitters, no conflicts (2 of 4 stars). 3 submissions from 3 submitters: Benign (1); Likely benign (2). Last evaluated 2026-08-08.

Conditions:
Pheochromocytoma/paraganglioma syndrome 4. Also called: CAROTID BODY TUMORS AND MULTIPLE EXTRAADRENAL PHEOCHROMOCYTOMAS; SDHB-Related Hereditary Paraganglioma-Pheochromocytoma Syndrome (Paragangliomas 4); SDHB-Related Hereditary Paraganglioma-Pheochromocytoma Syndrome; PARAGANGLIOMA, FAMILIAL MALIGNANT; PARAGANGLIOMAS, HEREDITARY EXTRAADRENAL; PHEOCHROMOCYTOMA, FAMILIAL EXTRAADRENAL. Identifiers: Orphanet 29072, MedGen C1861848, MONDO:0007273, OMIM 115310.
Gastrointestinal stromal tumor. Also called: Gastrointestinal stromal tumor, somatic; Gastrointestinal stroma tumor. Identifiers: Orphanet 44890, MedGen C0238198, MeSH D046152, MONDO:0011719, OMIM 606764, HP:0100723.
Pheochromocytoma. Also called: MAX-Related Hereditary Paraganglioma-Pheochromocytoma Syndrome. Identifiers: Orphanet 29072, MedGen C0031511, MONDO:0008233, OMIM 171300, HP:0002666.
Hereditary cancer-predisposing syndrome. Also called: Tumor predisposition; Hereditary Cancer Syndrome; Neoplastic Syndromes, Hereditary; Hereditary neoplastic syndrome. Identifiers: Orphanet 140162, MedGen C0027672, MeSH D009386, MONDO:0015356.

Allele frequency attached by ClinVar (database versions not stated): 1000 Genomes Project 30x 0.00016.
gnomAD v4.1: 1 of 1,613,972 alleles (0.000062%); highest among the groups gnomAD compares: Non-Finnish European, 0.000085%; no homozygotes.

Submissions (3):

Ambry Genetics
Classification: Likely benign for Hereditary cancer-predisposing syndrome. Last evaluated: 2026-08-08. Review status: criteria provided, single submitter. Criteria: Ambry Variant Classification Scheme 2023. Collection method: clinical testing. Allele origin: germline.

Myriad Genetics, Inc.
Classification: Benign for Pheochromocytoma/paraganglioma syndrome 4. Last evaluated: 2025-03-13. Review status: criteria provided, single submitter. Criteria: Myriad Autosomal Dominant, Autosomal Recessive and X-Linked Classification Criteria (2023). Collection method: clinical testing. Allele origin: unknown.
Comment: This variant is considered benign. This variant is a silent/synonymous amino acid change and it is not expected to impact splicing.

Labcorp Genetics (formerly Invitae), Labcorp
Classification: Likely benign for Gastrointestinal stromal tumor; Pheochromocytoma/paraganglioma syndrome 4; Pheochromocytoma. Last evaluated: 2024-04-22. Review status: criteria provided, single submitter. Criteria: Invitae Variant Classification Sherloc (09022015). Collection method: clinical testing. Allele origin: germline.